The following is an entry in ClinVar:

NM_007118.4(TRIO):c.8021T>C (p.Leu2674Pro)

Genes: TRIO (trio Rho guanine nucleotide exchange factor; plus strand), LOC126807323 (CDK7 strongly-dependent group 2 enhancer GRCh37_chr5:14497716-14498915; plus strand). Cytogenetic location: 5p15.2.
Variant type: single nucleotide variant.
Coding change: c.8021T>C on transcript NM_007118.4 (MANE Select); coding-DNA position 8021, T replaced by C.
Protein change: p.Leu2674Pro; replaces leucine 2674 with proline.
Molecular consequence: missense variant. On other transcripts: non-coding transcript variant (1).
Genome position (GRCh38, 1-based): chr5:14,497,848, T>C. VCF-style: chr5-14497848-T-C. GRCh37 (hg19) VCF-style: chr5-14497957-T-C.
Other names: short protein forms L2674P.
Identifiers: ClinVar variation 2631881 (VCV002631881.1), dbSNP rs2477606332, ClinGen allele CA359238989.

ClinVar aggregate classification (germline): Uncertain significance (1 of 4 stars; one submission).

Conditions:
TRIO-related disorder. Also called: TRIO-related condition; TRIO-related disorders.

Allele frequency attached by ClinVar (database versions not stated): gnomAD exomes 0.00001.
gnomAD v4.1: 11 of 1,614,264 alleles (0.00068%); highest among the groups gnomAD compares: Non-Finnish European, 0.00093%; no homozygotes.

Submission:

PreventionGenetics, part of Exact Sciences
Classification: Uncertain significance for TRIO-related condition. Last evaluated: 2023-03-13. Review status: criteria provided, single submitter. Criteria: ACMG Guidelines, 2015. Collection method: clinical testing. Allele origin: germline.
Comment: The TRIO c.8021T>C variant is predicted to result in the amino acid substitution p.Leu2674Pro. To our knowledge, this variant has not been reported in the literature or in a large population database, indicating this variant is rare. At this time, the clinical significance of this variant is uncertain due to the absence of conclusive functional and genetic evidence.